The following is an entry in ClinVar:

NM_000497.4(CYP11B1):c.715_731del (p.Phe239fs)

Genes: CYP11B1 (cytochrome P450 family 11 subfamily B member 1; minus strand), LOC106799833 (CYP11B1 recombination region; plus strand). Cytogenetic location: 8q24.3.
Variant type: Deletion.
Coding change: c.715_731del on transcript NM_000497.4 (MANE Select); coding-DNA positions 715 to 731, 17 bases deleted (TTCATGCCCAGGAGCCT).
Protein change: p.Phe239fs; shifts the reading frame from phenylalanine 239.
Molecular consequence: frameshift variant.
Genome position (GRCh38, 1-based): chr8:142,876,750-142,876,766, AGGCTCCTGGGCATGAA deleted on the plus strand (TTCATGCCCAGGAGCCT on the coding strand, the reverse complement: CYP11B1 is on the minus strand). VCF-style (leftmost placement, unchanged base first): chr8-142876749-CAGGCTCCTGGGCATGAA-C. GRCh37 (hg19) VCF-style: chr8-143958165-CAGGCTCCTGGGCATGAA-C.
Other names: c.715_731del, p.Phe239fs (NM_001026213.1); short protein forms F239fs.
Identifiers: ClinVar variation 2681083 (VCV002681083.3), dbSNP rs1816966972, ClinGen allele CA1120117929.
Genomic context (GRCh38, chr8:142,876,749, plus strand): 5'-GAAGATGCAGTCCCAGGCCTCAAAGTGCTCCTTCCACACCTTGGGGCTGGTCCAGCGAGA[CAGGCTCCTGGGCATGAA>C]CATGAGCTGGACGGTGGATTTGAACATGACCTCCAGGGCATGGAGGAAGTTCAGGCTGGC-3'

ClinVar aggregate classification (germline): Pathogenic/Likely pathogenic. Review status: criteria provided, multiple submitters, no conflicts (2 of 4 stars). 3 submissions from 3 submitters: Pathogenic (2); Likely pathogenic (1). Last evaluated 2025-02-26.

Conditions:
Deficiency of steroid 11-beta-monooxygenase (CYP11B1). Also called: ADRENAL HYPERPLASIA IV; ADRENAL HYPERPLASIA, CONGENITAL, DUE TO STEROID 11-BETA-HYDROXYLASE DEFICIENCY; 11-BETA-HYDROXYLASE DEFICIENCY; P450C11B1 DEFICIENCY; STEROID 11-BETA-HYDROXYLASE DEFICIENCY; Congenital adrenal hyperplasia due to 11-beta-hydroxylase deficiency. Identifiers: Orphanet 90795, MedGen C0268292, MONDO:0008729, OMIM 202010. Disease mechanism: loss of function.

Allele frequency attached by ClinVar (database versions not stated): gnomAD 0.00001.

Submissions (3):

Genetics and Genomic Medicine Centre, NeuroGen Healthcare, NeuroGen Healthcare
Classification: Pathogenic for Deficiency of steroid 11-beta-monooxygenase. Last evaluated: 2025-02-26. Review status: criteria provided, single submitter. Criteria: ACMG Guidelines, 2015. Collection method: clinical testing. Allele origin: unknown. Affected: yes.

Myriad Genetics, Inc.
Classification: Pathogenic for Deficiency of steroid 11-beta-monooxygenase. Last evaluated: 2024-02-09. Review status: criteria provided, single submitter. Criteria: Myriad Autosomal Dominant, Autosomal Recessive and X-Linked Classification Criteria (2023). Collection method: clinical testing. Allele origin: unknown.
Comment: NM_000497.3(CYP11B1):c.715_731del17(F239Vfs*14) is expected to be pathogenic in the context of congenital adrenal hyperplasia, CYP11B1-related. This variant is predicted to lead to an abnormal or absent protein product due to the creation of a premature termination codon in CYP11B1, a gene where loss-of-function variants are known to be pathogenic. Please note: this variant was assessed in the context of healthy population screening.

Baylor Genetics
Classification: Likely pathogenic for Deficiency of steroid 11-beta-monooxygenase. Last evaluated: 2023-07-06. Review status: criteria provided, single submitter. Criteria: ACMG Guidelines, 2015. Collection method: clinical testing. Allele origin: unknown.